The following is an entry in ClinVar:

NM_006904.7(PRKDC):c.7567A>G (p.Asn2523Asp)

Gene: PRKDC (protein kinase, DNA-activated, catalytic subunit; minus strand). Cytogenetic location: 8q11.21.
Variant type: single nucleotide variant.
Coding change: c.7567A>G on transcript NM_006904.7 (MANE Select); coding-DNA position 7567, A replaced by G.
Protein change: p.Asn2523Asp; replaces asparagine 2523 with aspartic acid.
Molecular consequence: missense variant.
Genome position (GRCh38, 1-based): chr8:47,837,406, T>C on the plus strand (A>G on the coding strand, the complement: PRKDC is on the minus strand). VCF-style: chr8-47837406-T-C. GRCh37 (hg19) VCF-style: chr8-48749967-T-C.
Other names: c.7567A>G, p.Asn2523Asp (NM_001081640.2); short protein forms N2523D.
Identifiers: ClinVar variation 2449872 (VCV002449872.2), dbSNP rs2551867533, ClinGen allele CA371153540.

ClinVar aggregate classification (germline): Uncertain significance (1 of 4 stars; one submission).

Submission:

Ambry Genetics
Classification: Uncertain significance. Last evaluated: 2023-01-28. Review status: criteria provided, single submitter. Criteria: Ambry Variant Classification Scheme 2023. Collection method: clinical testing. Allele origin: germline.
Comment: The p.N2523D variant (also known as c.7567A>G), located in coding exon 57 of the PRKDC gene, results from an A to G substitution at nucleotide position 7567. The asparagine at codon 2523 is replaced by aspartic acid, an amino acid with highly similar properties. This amino acid position is conserved. In addition, this alteration is predicted to be tolerated by in silico analysis. Since supporting evidence is limited at this time, the clinical significance of this alteration remains unclear.